The following is an entry in ClinVar:

NM_014423.4(AFF4):c.2797-7T>G

Gene: AFF4 (ALF transcription elongation factor 4; minus strand). Cytogenetic location: 5q31.1.
Variant type: single nucleotide variant.
Coding change: c.2797-7T>G on transcript NM_014423.4 (MANE Select); 7 bases into the intron before coding-DNA position 2797, T replaced by G.
Molecular consequence: intron variant.
Genome position (GRCh38, 1-based): chr5:132,887,989, A>C on the plus strand (T>G on the coding strand, the complement: AFF4 is on the minus strand). VCF-style: chr5-132887989-A-C. GRCh37 (hg19) VCF-style: chr5-132223681-A-C.
Other names: c.2797-7T>G (NM_014423.3).
Identifiers: ClinVar variation 2178621 (VCV002178621.5), dbSNP rs201234409, ClinGen allele CA3408807.

ClinVar aggregate classification (germline): Likely benign. Review status: criteria provided, multiple submitters, no conflicts (2 of 4 stars). 2 submissions from 2 submitters: Likely benign (2). Last evaluated 2025-02-27.

Conditions:
Cognitive impairment - coarse facies - heart defects - obesity - pulmonary involvement - short stature - skeletal dysplasia syndrome. Also called: COGNITIVE IMPAIRMENT, COARSE FACIES, HEART DEFECTS, OBESITY, PULMONARY INVOLVEMENT, SHORT STATURE, AND SKELETAL DYSPLASIA; Chops syndrome; AFF4-Related CHOPS Syndrome. Identifiers: Orphanet 444077, MedGen C4085597, MONDO:0014609, OMIM 616368.
AFF4-related disorder. Also called: AFF4-related condition.

Allele frequency attached by ClinVar (database versions not stated): gnomAD exomes 0.00001; TOPMed 0.00002; ExAC 0.00003; gnomAD 0.00003; ESP Exome Variant Server 0.00008; 1000 Genomes Project 30x 0.00016; 1000 Genomes Project 0.00020.
gnomAD v4.1: 20 of 1,613,032 alleles (0.0012%); highest among the groups gnomAD compares: Non-Finnish European, 0.0017%; no homozygotes.

Submissions (2):

PreventionGenetics, part of Exact Sciences
Classification: Likely benign for AFF4-related condition. Last evaluated: 2025-02-27. Review status: criteria provided, single submitter. Criteria: ACMG Guidelines, 2015. Collection method: clinical testing. Allele origin: germline.
Comment: This variant is classified as likely benign based on ACMG/AMP sequence variant interpretation guidelines (Richards et al. 2015 PMID: 25741868, with internal and published modifications).

Labcorp Genetics (formerly Invitae), Labcorp
Classification: Likely benign for Cognitive impairment - coarse facies - heart defects - obesity - pulmonary involvement - short stature - skeletal dysplasia syndrome. Last evaluated: 2024-06-03. Review status: criteria provided, single submitter. Criteria: Invitae Variant Classification Sherloc (09022015). Collection method: clinical testing. Allele origin: germline.